The following is an entry in ClinVar:

NM_000062.3(SERPING1):c.347del (p.Gln116fs)

Gene: SERPING1 (serpin family G member 1; plus strand). Cytogenetic location: 11q12.1.
Variant type: Deletion.
Coding change: c.347del on transcript NM_000062.3 (MANE Select); coding-DNA position 347, one base deleted (A; older notation c.347delA).
Protein change: p.Gln116fs; shifts the reading frame from glutamine 116.
Molecular consequence: frameshift variant.
Genome position (GRCh38, 1-based): chr11:57,600,174, A deleted. VCF-style (leftmost placement, unchanged base first): chr11-57600173-CA-C. GRCh37 (hg19) VCF-style: chr11-57367646-CA-C.
Other names: c.347del, p.Gln116fs (NM_001032295.2); short protein forms Q116fs.
Identifiers: ClinVar variation 690353 (VCV000690353.2), dbSNP rs1590822588, ClinGen allele CA915948102.

ClinVar aggregate classification (germline): Pathogenic (1 of 4 stars; one submission).

Conditions:
Hereditary angioedema type 1 (HAE1). Identifiers: Orphanet 100050, Orphanet 100051, Orphanet 91378, MedGen C2717906, MONDO:0015053, OMIM 106100.

Submission:

Department of Immunology and Histocompatibility, University of Thessaly
Classification: Pathogenic for Hereditary angioedema type 1. Review status: criteria provided, single submitter. Criteria: ACMG Guidelines, 2015. Collection method: clinical testing. Allele origin: germline. Affected: yes. Observed: 1 variant allele.
Comment: The c.347delA (p.Gln116Argfs*32) variant has been previously reported in association with hereditary angioedema in the literature (Speletas et al., 2015, Loules et al., 2018). It has never been detected in approximately 120000 individuals of the Exome Aggregation Consortium (ExAC), indicating that it is not a common variant. Another nonsense mutation, changing the same residue, c.346C>T (p.Gln116Ter) has been previously reported in the literature and in HAEdatabase in association with the disease (Pappalardo et al., 2000). Taking all the above into account and according to ACMG Guidelines (Criteria: PVS1, PS1, PM2, PM4, PP4) the variant is considered pathogenic.

Literature cited by the submitters: PubMed 29753808.